The following is an entry in ClinVar:

ClinVar aggregate classification (germline): Uncertain significance (1 of 4 stars; one submission).

Allele frequency attached by ClinVar (database versions not stated): gnomAD exomes below 0.00001; TOPMed below 0.00001; gnomAD 0.00001.
gnomAD v4.1: 20 of 1,613,988 alleles (0.0012%); highest among the groups gnomAD compares: Non-Finnish European, 0.0017%; no homozygotes.

Submission:

Labcorp Genetics (formerly Invitae), Labcorp
Classification: Uncertain significance. Last evaluated: 2026-01-14. Review status: criteria provided, single submitter. Criteria: Invitae Variant Classification Sherloc (09022015). Collection method: clinical testing. Allele origin: germline.
Comment: This sequence change replaces serine, which is neutral and polar, with tyrosine, which is neutral and polar, at codon 2260 of the USH2A protein (p.Ser2260Tyr). This variant is present in population databases (no rsID available, gnomAD 0.0009%). This missense change has been observed in individual(s) with retinitis pigmentosa (PMID: 26667666). ClinVar contains an entry for this variant (Variation ID: 1403286). Invitae Evidence Modeling of protein sequence and biophysical properties (such as structural, functional, and spatial information, amino acid conservation, physicochemical variation, residue mobility, and thermodynamic stability) indicates that this missense variant is expected to disrupt USH2A protein function with a positive predictive value of 95%. In summary, the available evidence is currently insufficient to determine the role of this variant in disease. Therefore, it has been classified as a Variant of Uncertain Significance.

Literature cited by the submitters: PubMed 26667666.

NM_206933.4(USH2A):c.6779C>A (p.Ser2260Tyr)

Gene: USH2A (usherin; minus strand). Cytogenetic location: 1q41.
Variant type: single nucleotide variant.
Coding change: c.6779C>A on transcript NM_206933.4 (MANE Select); coding-DNA position 6779, C replaced by A.
Protein change: p.Ser2260Tyr; replaces serine 2260 with tyrosine.
Molecular consequence: missense variant.
Genome position (GRCh38, 1-based): chr1:215,993,046, G>T on the plus strand (C>A on the coding strand, the complement: USH2A is on the minus strand). VCF-style: chr1-215993046-G-T. GRCh37 (hg19) VCF-style: chr1-216166388-G-T.
Other names: short protein forms S2260Y.
Identifiers: ClinVar variation 1403286 (VCV001403286.4), dbSNP rs1349610745, ClinGen allele CA344860259.